The following is an entry in ClinVar:

ClinVar aggregate classification (germline): Uncertain significance. Review status: criteria provided, single submitter (1 of 4 stars). 2 submissions from 2 submitters: Uncertain significance (1). 1 of the submissions does not count toward it. Last evaluated 2024-11-12.

Conditions:
RAD1-related disorder. Also called: RAD1-related condition.

gnomAD v4.1: 1 of 1,614,096 alleles (0.000062%); highest among the groups gnomAD compares: African/African-American, 0.0013%; no homozygotes.

Submissions (2):

Ambry Genetics
Classification: Uncertain significance. Last evaluated: 2024-11-12. Review status: criteria provided, single submitter. Criteria: Ambry Variant Classification Scheme 2023. Collection method: clinical testing. Allele origin: germline.

PreventionGenetics, part of Exact Sciences
Classification: Uncertain significance for RAD1-related condition. Last evaluated: 2024-03-09. Review status: no assertion criteria provided. Collection method: clinical testing. Allele origin: germline. Not counted in ClinVar's aggregate classification.
Comment: The RAD1 c.353C>G variant is predicted to result in the amino acid substitution p.Pro118Arg. To our knowledge, this variant has not been reported in the literature or in a large population database, indicating this variant is rare. At this time, the clinical significance of this variant is uncertain due to the absence of conclusive functional and genetic evidence.

NM_002853.4(RAD1):c.353C>G (p.Pro118Arg)

Genes: RAD1 (RAD1 checkpoint DNA exonuclease; minus strand), TTC23L (tetratricopeptide repeat domain 23 like; plus strand). Cytogenetic location: 5p13.2.
Variant type: single nucleotide variant.
Coding change: c.353C>G on transcript NM_002853.4 (MANE Select); coding-DNA position 353, C replaced by G.
Protein change: p.Pro118Arg; replaces proline 118 with arginine.
Molecular consequence: missense variant. On other transcripts: non-coding transcript variant (1).
Genome position (GRCh38, 1-based): chr5:34,911,767, G>C on the plus strand (C>G on the coding strand, the complement: RAD1 is on the minus strand). VCF-style: chr5-34911767-G-C. GRCh37 (hg19) VCF-style: chr5-34911872-G-C.
Other names: short protein forms P118R.
Identifiers: ClinVar variation 3354525 (VCV003354525.2).
Genomic context (GRCh38, chr5:34,911,767, plus strand): 5'-TCCTGTGTATTGATTTTGCAGACTGTCACCACTCCTCCTTCTTCCAGGAACAGCATCAAA[G>C]GGTAACCATAACCTTGGTAACACATTCGAAGTGCAGTTAAAGTCCCTGCAATGGAAAGAA-3'
Protein context (NP_002844.1, residues 108-128): LRMCYQGYGY[Pro118Arg]LMLFLEEGGV